The following is an entry in ClinVar:

ClinVar aggregate classification (germline): Uncertain significance. Review status: criteria provided, multiple submitters, no conflicts (2 of 4 stars). 2 submissions from 2 submitters: Uncertain significance (2). Last evaluated 2024-10-28.

Conditions:
Hereditary cancer-predisposing syndrome. Also called: Hereditary neoplastic syndrome; Tumor predisposition; Neoplastic Syndromes, Hereditary; Hereditary Cancer Syndrome. Identifiers: Orphanet 140162, MedGen C0027672, MeSH D009386, MONDO:0015356.
Multiple endocrine neoplasia type 4. Also called: MULTIPLE ENDOCRINE NEOPLASIA, TYPE IV. Identifiers: Orphanet 276152, MedGen C1970712, MONDO:0012552, OMIM 610755.

Allele frequency attached by ClinVar (database versions not stated): gnomAD 0.00001; gnomAD exomes 0.00002; ExAC 0.00003.
gnomAD v4.1: 21 of 1,613,002 alleles (0.0013%); no homozygotes.

Submissions (2):

Ambry Genetics
Classification: Uncertain significance for Hereditary cancer-predisposing syndrome. Last evaluated: 2024-10-28. Review status: criteria provided, single submitter. Criteria: Ambry Variant Classification Scheme 2023. Collection method: clinical testing. Allele origin: germline.
Comment: The p.V4L variant (also known as c.10G>T), located in coding exon 1 of the CDKN1B gene, results from a G to T substitution at nucleotide position 10. The valine at codon 4 is replaced by leucine, an amino acid with highly similar properties. This amino acid position is highly conserved in available vertebrate species. In addition, the in silico prediction for this alteration is inconclusive. Based on the available evidence, the clinical significance of this variant remains unclear.

Labcorp Genetics (formerly Invitae), Labcorp
Classification: Uncertain significance for Multiple endocrine neoplasia type 4. Last evaluated: 2024-04-17. Review status: criteria provided, single submitter. Criteria: Invitae Variant Classification Sherloc (09022015). Collection method: clinical testing. Allele origin: germline.
Comment: This sequence change replaces valine, which is neutral and non-polar, with leucine, which is neutral and non-polar, at codon 4 of the CDKN1B protein (p.Val4Leu). This variant is present in population databases (rs780124638, gnomAD 0.03%). This variant has not been reported in the literature in individuals affected with CDKN1B-related conditions. ClinVar contains an entry for this variant (Variation ID: 959146). An algorithm developed to predict the effect of missense changes on protein structure and function (PolyPhen-2) suggests that this variant is likely to be tolerated. In summary, the available evidence is currently insufficient to determine the role of this variant in disease. Therefore, it has been classified as a Variant of Uncertain Significance.

NM_004064.5(CDKN1B):c.10G>T (p.Val4Leu)

Gene: CDKN1B (cyclin dependent kinase inhibitor 1B; plus strand). Cytogenetic location: 12p13.1.
Variant type: single nucleotide variant.
Coding change: c.10G>T on transcript NM_004064.5 (MANE Select); coding-DNA position 10, G replaced by T.
Protein change: p.Val4Leu; replaces valine 4 with leucine.
Molecular consequence: missense variant.
Genome position (GRCh38, 1-based): chr12:12,717,849, G>T. VCF-style: chr12-12717849-G-T. GRCh37 (hg19) VCF-style: chr12-12870783-G-T.
Other names: c.10G>T (NM_004064.3); short protein forms V4L.
Identifiers: ClinVar variation 959146 (VCV000959146.8), dbSNP rs780124638, ClinGen allele CA6457361.